The following is an entry in ClinVar:

NM_018897.3(DNAH7):c.538A>G (p.Met180Val)

Gene: DNAH7 (dynein axonemal heavy chain 7; minus strand). Cytogenetic location: 2q32.3.
Variant type: single nucleotide variant.
Coding change: c.538A>G on transcript NM_018897.3 (MANE Select); coding-DNA position 538, A replaced by G.
Protein change: p.Met180Val; replaces methionine 180 with valine.
Molecular consequence: missense variant.
Genome position (GRCh38, 1-based): chr2:196,026,889, T>C on the plus strand (A>G on the coding strand, the complement: DNAH7 is on the minus strand). VCF-style: chr2-196026889-T-C. GRCh37 (hg19) VCF-style: chr2-196891613-T-C.
Other names: short protein forms M180V.
Identifiers: ClinVar variation 2542977 (VCV002542977.4), dbSNP rs201990783, ClinGen allele CA2036949.

ClinVar aggregate classification (germline): Uncertain significance. Review status: criteria provided, multiple submitters, no conflicts (2 of 4 stars). 2 submissions from 2 submitters: Uncertain significance (2). Last evaluated 2025-09-09.

Allele frequency attached by ClinVar (database versions not stated): gnomAD exomes 0.00005; gnomAD 0.00009; TOPMed 0.00009; ExAC 0.00011; 1000 Genomes Project 0.00020; 1000 Genomes Project 30x 0.00031; ESP Exome Variant Server 0.00034.

Submissions (2):

Ambry Genetics
Classification: Uncertain significance. Last evaluated: 2025-09-09. Review status: criteria provided, single submitter. Criteria: Ambry Variant Classification Scheme 2023. Collection method: clinical testing. Allele origin: germline.

GeneDx
Classification: Uncertain significance. Last evaluated: 2022-01-25. Review status: criteria provided, single submitter. Criteria: GeneDx Variant Classification Process June 2021. Collection method: clinical testing. Allele origin: germline. Affected: yes.
Comment: In silico analysis supports that this missense variant does not alter protein structure/function; Has not been previously published as pathogenic or benign to our knowledge; Variants in candidate genes are classified as variants of uncertain significance in accordance with ACMG guidelines (Richards et al., 2015)